The following is an entry in ClinVar:

ClinVar aggregate classification (germline): Uncertain significance (1 of 4 stars; one submission).

Conditions:
Autosomal dominant polycystic kidney disease. Identifiers: Orphanet 730, MedGen C0085413, MONDO:0004691.

Submission:

Labcorp Genetics (formerly Invitae), Labcorp
Classification: Uncertain significance for Autosomal dominant polycystic kidney disease. Last evaluated: 2022-09-25. Review status: criteria provided, single submitter. Criteria: Invitae Variant Classification Sherloc (09022015). Collection method: clinical testing. Allele origin: germline.
Comment: This sequence change replaces threonine, which is neutral and polar, with alanine, which is neutral and non-polar, at codon 272 of the PKD2 protein (p.Thr272Ala). This variant is not present in population databases (gnomAD no frequency). This variant has not been reported in the literature in individuals affected with PKD2-related conditions. Advanced modeling of protein sequence and biophysical properties (such as structural, functional, and spatial information, amino acid conservation, physicochemical variation, residue mobility, and thermodynamic stability) performed at Invitae indicates that this missense variant is not expected to disrupt PKD2 protein function. In summary, the available evidence is currently insufficient to determine the role of this variant in disease. Therefore, it has been classified as a Variant of Uncertain Significance.

NM_000297.4(PKD2):c.814A>G (p.Thr272Ala)

Gene: PKD2 (polycystin 2, transient receptor potential cation channel; plus strand). Cytogenetic location: 4q22.1.
Variant type: single nucleotide variant.
Coding change: c.814A>G on transcript NM_000297.4 (MANE Select); coding-DNA position 814, A replaced by G.
Protein change: p.Thr272Ala; replaces threonine 272 with alanine.
Molecular consequence: missense variant. On other transcripts: non-coding transcript variant (1).
Genome position (GRCh38, 1-based): chr4:88,036,324, A>G. VCF-style: chr4-88036324-A-G. GRCh37 (hg19) VCF-style: chr4-88957476-A-G.
Other names: short protein forms T272A.
Identifiers: ClinVar variation 1898462 (VCV001898462.5), dbSNP rs1727332307, ClinGen allele CA357631575.